The following is an entry in ClinVar:

ClinVar aggregate classification (germline): Uncertain significance. Review status: criteria provided, multiple submitters, no conflicts (2 of 4 stars). 2 submissions from 2 submitters: Uncertain significance (2). Last evaluated 2022-06-03.

Conditions:
Leukoencephalopathy, acute reversible, with increased urinary alpha-ketoglutarate. Identifiers: Orphanet 615964, MedGen C5193068, MONDO:0032716, OMIM 618384.

Allele frequency attached by ClinVar (database versions not stated): ExAC 0.00001; TOPMed 0.00001; gnomAD exomes 0.00002 and 0.00003; gnomAD 0.00003.
gnomAD v4.1: 51 of 1,607,818 alleles (0.0032%); highest among the groups gnomAD compares: Admixed American, 0.0084%; no homozygotes.

Submissions (2):

Ambry Genetics
Classification: Uncertain significance. Last evaluated: 2022-06-03. Review status: criteria provided, single submitter. Criteria: Ambry Variant Classification Scheme 2023. Collection method: clinical testing. Allele origin: germline.

Baylor Genetics
Classification: Uncertain significance for Leukoencephalopathy, acute reversible, with increased urinary alpha-ketoglutarate. Last evaluated: 2020-03-09. Review status: criteria provided, single submitter. Criteria: ACMG Guidelines, 2015. Collection method: clinical testing. Allele origin: unknown. Affected: yes.
Comment: This variant was determined to be of uncertain significance according to ACMG Guidelines, 2015 [PMID:25741868].

NM_022829.6(SLC13A3):c.1106G>A (p.Ser369Asn)

Gene: SLC13A3 (solute carrier family 13 member 3; minus strand). Cytogenetic location: 20q13.12.
Variant type: single nucleotide variant.
Coding change: c.1106G>A on transcript NM_022829.6 (MANE Select); coding-DNA position 1106, G replaced by A.
Protein change: p.Ser369Asn; replaces serine 369 with asparagine.
Molecular consequence: missense variant. On other transcripts: intron variant (1).
Genome position (GRCh38, 1-based): chr20:46,588,074, C>T on the plus strand (G>A on the coding strand, the complement: SLC13A3 is on the minus strand). VCF-style: chr20-46588074-C-T. GRCh37 (hg19) VCF-style: chr20-45216713-C-T.
Other names: c.965G>A, p.Ser322Asn (NM_001011554.3); c.956G>A, p.Ser319Asn (NM_001193339.2); c.812G>A, p.Ser271Asn (NM_001193342.2); c.875+1086G>A (NM_001193340.2); short protein forms S271N, S322N, S319N, S369N.
Identifiers: ClinVar variation 1028783 (VCV001028783.3), dbSNP rs758830291, ClinGen allele CA9891415.
Genomic context (GRCh38, chr20:46,588,074, plus strand): 5'-AATCCTCCCTGTTGGACTCCTCCCTGTGGGTCCCCAGAGTCTCACCCAGGATTGAAGAGG[C>T]TGGCCCAGCCAGGGATGAACTTCGGGTCCCGGGTGAAGAGGAGGATGGCAAACATGCAGA-3'
Protein context (NP_073740.2, residues 359-379): RDPKFIPGWA[Ser369Asn]LFNPGFLSDA